The following is an entry in ClinVar:

NM_000308.4(CTSA):c.-6G>A

Gene: CTSA (cathepsin A; plus strand). Cytogenetic location: 20q13.12.
Variant type: single nucleotide variant.
Coding change: c.-6G>A on transcript NM_000308.4 (MANE Select); 6 bases upstream of the start codon, G replaced by A.
Molecular consequence: 5 prime UTR variant. On other transcripts: non-coding transcript variant (1).
Genome position (GRCh38, 1-based): chr20:45,891,374, G>A. VCF-style: chr20-45891374-G-A. GRCh37 (hg19) VCF-style: chr20-44520013-G-A.
Other names: c.-52G>A (NM_001127695.3); c.-6G>A (NM_001167594.3); c.49G>A (NM_000308.2); short protein forms A17T.
Identifiers: ClinVar variation 657341 (VCV000657341.8), dbSNP rs1471695726, ClinGen allele CA409247365.

ClinVar aggregate classification (germline): Uncertain significance. Review status: criteria provided, multiple submitters, no conflicts (2 of 4 stars). 2 submissions from 2 submitters: Uncertain significance (2). Last evaluated 2024-12-03.

Conditions:
Inborn genetic diseases. Identifiers: MedGen C0950123, MeSH D030342.
Combined deficiency of sialidase AND beta galactosidase (GSL). Also called: PPCA DEFICIENCY; PROTECTIVE PROTEIN/CATHEPSIN A DEFICIENCY; Galactosialidosis; CATHEPSIN A DEFICIENCY; GOLDBERG SYNDROME; NEURAMINIDASE DEFICIENCY WITH BETA-GALACTOSIDASE DEFICIENCY. Identifiers: Orphanet 351, MedGen C0268233, MONDO:0009737, OMIM 256540.

Allele frequency attached by ClinVar (database versions not stated): gnomAD exomes below 0.00001; TOPMed below 0.00001; gnomAD 0.00001 and 0.00003.
gnomAD v4.1: 2 of 1,573,164 alleles (0.00013%); highest among the groups gnomAD compares: Admixed American, 0.0037%; no homozygotes.

Submissions (2):

Ambry Genetics
Classification: Uncertain significance for Inborn genetic diseases. Last evaluated: 2024-12-03. Review status: criteria provided, single submitter. Criteria: Ambry Variant Classification Scheme 2023. Collection method: clinical testing. Allele origin: germline.

Labcorp Genetics (formerly Invitae), Labcorp
Classification: Uncertain significance for Combined deficiency of sialidase AND beta galactosidase. Last evaluated: 2018-09-19. Review status: criteria provided, single submitter. Criteria: Invitae Variant Classification Sherloc (09022015). Collection method: clinical testing. Allele origin: germline.
Comment: In summary, the available evidence is currently insufficient to determine the role of this variant in disease. Therefore, it has been classified as a Variant of Uncertain Significance. Algorithms developed to predict the effect of missense changes on protein structure and function output the following: SIFT: "Tolerated"; PolyPhen-2: "Benign"; Align-GVGD: "Class C0". The alanine amino acid residue is found in multiple mammalian species, suggesting that this missense change does not adversely affect protein function. These predictions have not been confirmed by published functional studies and their clinical significance is uncertain. This variant has not been reported in the literature in individuals with CTSA-related disease. This variant is not present in population databases (ExAC no frequency). This sequence change replaces alanine with threonine at codon 17 of the CTSA protein (p.Ala17Thr). The alanine residue is weakly conserved and there is a small physicochemical difference between alanine and threonine.